The following is an entry in ClinVar:

NM_000057.4(BLM):c.2475_2476delinsAT (p.Val826Leu)

Gene: BLM (BLM RecQ like helicase; plus strand). Cytogenetic location: 15q26.1.
Variant type: Indel.
Coding change: c.2475_2476delinsAT on transcript NM_000057.4 (MANE Select); coding-DNA positions 2475 to 2476, GG replaced by AT.
Protein change: p.Val826Leu; replaces valine 826 with leucine.
Molecular consequence: missense variant.
Genome position (GRCh38, 1-based): chr15:90,769,506-90,769,507, GG replaced by AT. VCF-style: chr15-90769506-GG-AT. GRCh37 (hg19) VCF-style: chr15-91312736-GG-AT.
Other names: c.2475_2476delinsAT, p.Val826Leu (NM_001287246.2, NM_001287247.2); c.1350_1351delinsAT, p.Val451Leu (NM_001287248.2); short protein forms V451L, V826L.
Identifiers: ClinVar variation 4719335 (VCV004719335.1).

ClinVar aggregate classification (germline): Uncertain significance (1 of 4 stars; one submission).

Conditions:
Bloom syndrome (BLM). Also called: Bloom-Torre-Machacek syndrome. Identifiers: Orphanet 125, MedGen C0005859, MONDO:0008876, OMIM 210900.

Submission:

Labcorp Genetics (formerly Invitae), Labcorp
Classification: Uncertain significance for Bloom syndrome. Last evaluated: 2025-05-11. Review status: criteria provided, single submitter. Criteria: Invitae Variant Classification Sherloc (09022015). Collection method: clinical testing. Allele origin: germline.
Comment: This sequence change replaces valine, which is neutral and non-polar, with leucine, which is neutral and non-polar, at codon 826 of the BLM protein (p.Val826Leu). Information on the frequency of this variant in the gnomAD database is not available, as this variant may be reported differently in the database. This variant has not been reported in the literature in individuals affected with BLM-related conditions. Experimental studies and prediction algorithms are not available or were not evaluated, and the functional significance of this variant is currently unknown. In summary, the available evidence is currently insufficient to determine the role of this variant in disease. Therefore, it has been classified as a Variant of Uncertain Significance.